The following is an entry in ClinVar:

ClinVar aggregate classification (germline): Uncertain significance (1 of 4 stars; one submission).

Conditions:
Cardiovascular phenotype. Identifiers: MedGen CN230736.

gnomAD v4.1: 1 of 1,613,354 alleles (0.000062%); highest among the groups gnomAD compares: Non-Finnish European, 0.000085%; no homozygotes.

Submission:

Ambry Genetics
Classification: Uncertain significance for Cardiovascular phenotype. Last evaluated: 2025-06-15. Review status: criteria provided, single submitter. Criteria: Ambry Variant Classification Scheme 2023. Collection method: clinical testing. Allele origin: germline.
Comment: The p.I11M variant (also known as c.33T>G), located in coding exon 1 of the CASQ2 gene, results from a T to G substitution at nucleotide position 33. The isoleucine at codon 11 is replaced by methionine, an amino acid with highly similar properties. This amino acid position is conserved. In addition, this alteration is predicted to be tolerated by in silico analysis. Based on the available evidence, the clinical significance of this variant remains unclear.

NM_001232.4(CASQ2):c.33T>G (p.Ile11Met)

Gene: CASQ2 (calsequestrin 2; minus strand). Cytogenetic location: 1p13.1.
Variant type: single nucleotide variant.
Coding change: c.33T>G on transcript NM_001232.4 (MANE Select); coding-DNA position 33, T replaced by G.
Protein change: p.Ile11Met; replaces isoleucine 11 with methionine.
Molecular consequence: missense variant.
Genome position (GRCh38, 1-based): chr1:115,768,509, A>C on the plus strand (T>G on the coding strand, the complement: CASQ2 is on the minus strand). VCF-style: chr1-115768509-A-C. GRCh37 (hg19) VCF-style: chr1-116311130-A-C.
Other names: short protein forms I11M.
Identifiers: ClinVar variation 4219480 (VCV004219480.1).